The following is an entry in ClinVar:

NM_001204.7(BMPR2):c.2553T>G (p.Phe851Leu)

Gene: BMPR2 (bone morphogenetic protein receptor type 2; plus strand). Cytogenetic location: 2q33.2.
Variant type: single nucleotide variant.
Coding change: c.2553T>G on transcript NM_001204.7 (MANE Select); coding-DNA position 2553, T replaced by G.
Protein change: p.Phe851Leu; replaces phenylalanine 851 with leucine.
Molecular consequence: missense variant.
Genome position (GRCh38, 1-based): chr2:202,556,218, T>G. VCF-style: chr2-202556218-T-G. GRCh37 (hg19) VCF-style: chr2-203420941-T-G.
Other names: short protein forms F851L.
Identifiers: ClinVar variation 4867599 (VCV004867599.1).

ClinVar aggregate classification (germline): Uncertain significance (1 of 4 stars; one submission).

Conditions:
Inborn genetic diseases. Identifiers: MedGen C0950123, MeSH D030342.

Submission:

Ambry Genetics
Classification: Uncertain significance for Inborn genetic diseases. Last evaluated: 2026-04-11. Review status: criteria provided, single submitter. Criteria: Ambry Variant Classification Scheme 2023. Collection method: clinical testing. Allele origin: germline.
Comment: The p.F851L variant (also known as c.2553T>G), located in coding exon 12 of the BMPR2 gene, results from a T to G substitution at nucleotide position 2553. The phenylalanine at codon 851 is replaced by leucine, an amino acid with highly similar properties. This amino acid position is conserved. In addition, the in silico prediction for this alteration is inconclusive. Based on the available evidence, the clinical significance of this variant remains unclear.